The following is an entry in ClinVar:

ClinVar aggregate classification (germline): Likely pathogenic (1 of 4 stars; one submission).

Conditions:
Basal cell nevus syndrome 1 (BCNS1). Also called: GORLIN-GOLTZ SYNDROME; MULTIPLE BASAL CELL NEVI, ODONTOGENIC KERATOCYSTS, AND SKELETAL ANOMALIES. Identifiers: MedGen CN376810, MONDO:0958174, OMIM 109400.

Submission:

Juno Genomics, Hangzhou Juno Genomics, Inc
Classification: Likely pathogenic for Basal cell nevus syndrome 1. Review status: criteria provided, single submitter. Criteria: ACMG Guidelines, 2015. Collection method: clinical testing. Allele origin: germline.
Comment: Null variant in a gene where loss of function (LOF) is a known mechanism of disease.;Absent from controls (or at extremely low frequency if recessive) in Genome Aggregation Database.

NM_000264.5(PTCH1):c.3305T>A (p.Leu1102Ter)

Gene: PTCH1 (patched 1; minus strand). Cytogenetic location: 9q22.32.
Variant type: single nucleotide variant.
Coding change: c.3305T>A on transcript NM_000264.5 (MANE Select); coding-DNA position 3305, T replaced by A.
Protein change: p.Leu1102Ter; replaces leucine 1102 with a stop codon.
Molecular consequence: nonsense. On other transcripts: non-coding transcript variant (1).
Genome position (GRCh38, 1-based): chr9:95,456,277, A>T on the plus strand (T>A on the coding strand, the complement: PTCH1 is on the minus strand). VCF-style: chr9-95456277-A-T. GRCh37 (hg19) VCF-style: chr9-98218559-A-T.
Other names: c.3107T>A, p.Leu1036Ter (NM_001083602.3); c.3302T>A, p.Leu1101Ter (NM_001083603.3); c.2852T>A, p.Leu951Ter (NM_001083604.3, NM_001083605.3, NM_001083606.3 and 1 more transcripts); c.3149T>A, p.Leu1050Ter (NM_001354918.2); short protein forms L1036*, L1050*, L1101*, L1102*, L951*.
Identifiers: ClinVar variation 3382557 (VCV003382557.3).
Genomic context (GRCh38, chr9:95,456,277, plus strand): 5'-AGAGCCAGAGGAAATGGGTTGTTTTTTCACAAAGTTTTTGCTTCAAATGTCTCCCATACC[A>T]AAGCAACGTGAACGGTGAACTCCACTCCTATGCCAACAGAAGCGATCAGGATGACCACGG-3'